The following is an entry in ClinVar:

ClinVar aggregate classification (germline): Uncertain significance. Review status: criteria provided, multiple submitters, no conflicts (2 of 4 stars). 2 submissions from 2 submitters: Uncertain significance (2). Last evaluated 2023-02-07.

Conditions:
ASXL1-related disorder. Also called: ASXL1-related disorders; ASXL1-related condition.

Submissions (2):

PreventionGenetics, part of Exact Sciences
Classification: Uncertain significance for ASXL1-related condition. Last evaluated: 2023-02-07. Review status: criteria provided, single submitter. Criteria: ACMG Guidelines, 2015. Collection method: clinical testing. Allele origin: germline.
Comment: The ASXL1 c.4426C>T variant is predicted to result in the amino acid substitution p.His1476Tyr. To our knowledge, this variant has not been reported in the literature or in a large population database, indicating this variant is rare. At this time, the clinical significance of this variant is uncertain due to the absence of conclusive functional and genetic evidence.

Labcorp Genetics (formerly Invitae), Labcorp
Classification: Uncertain significance. Last evaluated: 2021-12-03. Review status: criteria provided, single submitter. Criteria: Invitae Variant Classification Sherloc (09022015). Collection method: clinical testing. Allele origin: germline.
Comment: This sequence change replaces histidine, which is basic and polar, with tyrosine, which is neutral and polar, at codon 1476 of the ASXL1 protein (p.His1476Tyr). This variant is not present in population databases (gnomAD no frequency). This variant has not been reported in the literature in individuals affected with ASXL1-related conditions. Algorithms developed to predict the effect of missense changes on protein structure and function are either unavailable or do not agree on the potential impact of this missense change (SIFT: "Tolerated"; PolyPhen-2: "Probably Damaging"; Align-GVGD: "Class C0"). In summary, the available evidence is currently insufficient to determine the role of this variant in disease. Therefore, it has been classified as a Variant of Uncertain Significance.

NM_015338.6(ASXL1):c.4426C>T (p.His1476Tyr)

Gene: ASXL1 (ASXL transcriptional regulator 1; plus strand). Cytogenetic location: 20q11.21.
Variant type: single nucleotide variant.
Coding change: c.4426C>T on transcript NM_015338.6 (MANE Select); coding-DNA position 4426, C replaced by T.
Protein change: p.His1476Tyr; replaces histidine 1476 with tyrosine.
Molecular consequence: missense variant.
Genome position (GRCh38, 1-based): chr20:32,437,138, C>T. VCF-style: chr20-32437138-C-T. GRCh37 (hg19) VCF-style: chr20-31024941-C-T.
Other names: c.4243C>T, p.His1415Tyr (NM_001363734.1); c.4426C>T (NM_015338.5); short protein forms H1415Y, H1476Y.
Identifiers: ClinVar variation 1382231 (VCV001382231.8), dbSNP rs2145396080, ClinGen allele CA408565135.
Genomic context (GRCh38, chr20:32,437,138, plus strand): 5'-TATTCCTCTAGCTCTCCCACCTTTCCCAAAGGCCTTGCTGGAAGTGTGGTGCAGCTGAGC[C>T]ACAAAGCAAACTTTGGTGCGAGCCACAGTGCATCACTTTCCTTGCAAATGTTCACTGACA-3'
Protein context (NP_056153.2, residues 1466-1486): GLAGSVVQLS[His1476Tyr]KANFGASHSA